The following is an entry in ClinVar:

NM_000037.4(ANK1):c.2197-17G>A

Gene: ANK1 (ankyrin 1; minus strand). Cytogenetic location: 8p11.21.
Variant type: single nucleotide variant.
Coding change: c.2197-17G>A on transcript NM_000037.4 (MANE Select); 17 bases into the intron before coding-DNA position 2197, G replaced by A.
Molecular consequence: intron variant.
Genome position (GRCh38, 1-based): chr8:41,704,156, C>T on the plus strand (G>A on the coding strand, the complement: ANK1 is on the minus strand). VCF-style: chr8-41704156-C-T. GRCh37 (hg19) VCF-style: chr8-41561674-C-T.
Other names: c.2296-17G>A (NM_001142446.2); c.2197-17G>A (NM_020477.3, NM_020475.3, NM_020476.3).
Identifiers: ClinVar variation 1163889 (VCV001163889.24), dbSNP rs188360816, ClinGen allele CA4728317.

ClinVar aggregate classification (germline): Conflicting classifications of pathogenicity. Review status: criteria provided, conflicting classifications (1 of 4 stars). 4 submissions from 4 submitters: Uncertain significance (1); Benign (1); Likely benign (2). Last evaluated 2025-12-26.

Conditions:
Hereditary spherocytosis type 1. Also called: Spherocytosis type 1; ANK1-Related Spherocytosis. Identifiers: Orphanet 822, MedGen C2674218, MONDO:0008447, OMIM 182900.

Allele frequency attached by ClinVar (database versions not stated): 1000 Genomes Project 30x 0.00078; 1000 Genomes Project 0.00100; gnomAD exomes 0.00148 and 0.00222; ExAC 0.00161; gnomAD 0.00175 and 0.00183; ESP Exome Variant Server 0.00185; TOPMed 0.00207.
gnomAD v4.1: 3,540 of 1,611,942 alleles (0.22%); highest among the groups gnomAD compares: Non-Finnish European, 0.26%; 9 homozygotes.

Submissions (4):

Labcorp Genetics (formerly Invitae), Labcorp
Classification: Benign. Last evaluated: 2025-12-26. Review status: criteria provided, single submitter. Criteria: Invitae Variant Classification Sherloc (09022015). Collection method: clinical testing. Allele origin: germline.

ARUP Laboratories, Molecular Genetics and Genomics, ARUP Laboratories
Classification: Likely benign for Hereditary spherocytosis type 1. Last evaluated: 2025-02-21. Review status: criteria provided, single submitter. Criteria: ARUP Molecular Germline Variant Investigation Process 2024. Collection method: clinical testing. Allele origin: germline.

Blueprint Genetics
Classification: Likely benign. Last evaluated: 2024-11-13. Review status: criteria provided, single submitter. Criteria: ACMG Guidelines, 2015. Collection method: clinical testing. Allele origin: germline.

Mayo Clinic Laboratories, Mayo Clinic
Classification: Uncertain significance. Last evaluated: 2022-08-22. Review status: criteria provided, single submitter. Criteria: ACMG Guidelines, 2015. Collection method: clinical testing. Allele origin: germline. Observed: 5 variant alleles.
Comment: BP4, BP7